The following is an entry in ClinVar:

ClinVar aggregate classification (germline): Uncertain significance (1 of 4 stars; one submission).

Conditions:
Congenital neutropenia-myelofibrosis-nephromegaly syndrome. Also called: Severe congenital neutropenia 5, autosomal recessive. Identifiers: Orphanet 369852, MedGen C3809031, MONDO:0014118, OMIM 615285.

Allele frequency attached by ClinVar (database versions not stated): ExAC 0.00001; TOPMed 0.00004; gnomAD 0.00005.
gnomAD v4.1: 8 of 1,607,340 alleles (0.0005%); highest among the groups gnomAD compares: African/African-American, 0.0094%; no homozygotes.

Submission:

Labcorp Genetics (formerly Invitae), Labcorp
Classification: Uncertain significance for Congenital neutropenia-myelofibrosis-nephromegaly syndrome. Last evaluated: 2022-05-21. Review status: criteria provided, single submitter. Criteria: Invitae Variant Classification Sherloc (09022015). Collection method: clinical testing. Allele origin: germline.
Comment: This sequence change replaces aspartic acid, which is acidic and polar, with valine, which is neutral and non-polar, at codon 80 of the VPS45 protein (p.Asp80Val). This variant is present in population databases (rs781882224, gnomAD 0.01%). This variant has not been reported in the literature in individuals affected with VPS45-related conditions. Algorithms developed to predict the effect of missense changes on protein structure and function are either unavailable or do not agree on the potential impact of this missense change (SIFT: "Deleterious"; PolyPhen-2: "Benign"; Align-GVGD: "Class C25"). In summary, the available evidence is currently insufficient to determine the role of this variant in disease. Therefore, it has been classified as a Variant of Uncertain Significance.

NM_007259.5(VPS45):c.239A>T (p.Asp80Val)

Gene: VPS45 (vacuolar protein sorting 45 homolog; plus strand). Cytogenetic location: 1q21.2.
Variant type: single nucleotide variant.
Coding change: c.239A>T on transcript NM_007259.5 (MANE Select); coding-DNA position 239, A replaced by T.
Protein change: p.Asp80Val; replaces aspartic acid 80 with valine.
Molecular consequence: missense variant. On other transcripts: non-coding transcript variant (1).
Genome position (GRCh38, 1-based): chr1:150,072,176, A>T. VCF-style: chr1-150072176-A-T. GRCh37 (hg19) VCF-style: chr1-150044243-A-T.
Other names: c.131A>T, p.Asp44Val (NM_001279353.2, NM_001279354.2); short protein forms D44V, D80V.
Identifiers: ClinVar variation 2417055 (VCV002417055.3), dbSNP rs781882224, ClinGen allele CA1073079.
Genomic context (GRCh38, chr1:150,072,176, plus strand): 5'-TCCTTAAGCAACTCTCCTCATATTTTGTTTGCTTGTTCTTCATTTTCTAGGAGAATGTGG[A>T]TTATATTATTCAGGAGCTCCGAAGACCCAAATACACTATATATTTCATTTGTAAGTATGT-3'
Protein context (NP_009190.2, residues 70-90): CFLRPTKENV[Asp80Val]YIIQELRRPK